The following is an entry in ClinVar:

NM_001177676.2(GPR68):c.667_668del (p.Lys223fs)

Gene: GPR68 (G protein-coupled receptor 68; minus strand). Cytogenetic location: 14q32.11.
Variant type: Deletion.
Coding change: c.667_668del on transcript NM_001177676.2 (MANE Select); coding-DNA positions 667 to 668, 2 bases deleted (AA; older notation c.667_668delAA).
Protein change: p.Lys223fs; shifts the reading frame from lysine 223.
Molecular consequence: frameshift variant.
Genome position (GRCh38, 1-based): chr14:91,234,383-91,234,384, TT deleted on the plus strand (AA on the coding strand, the reverse complement: GPR68 is on the minus strand). VCF-style (leftmost placement, unchanged base first): chr14-91234382-CTT-C. GRCh37 (hg19) VCF-style: chr14-91700726-CTT-C.
Other names: c.667_668del, p.Lys223fs (NM_001348437.1, NM_003485.3); short protein forms K223fs.
Identifiers: ClinVar variation 268085 (VCV000268085.2), dbSNP rs1057517671, ClinGen allele CA16040619.

ClinVar aggregate classification (germline): Pathogenic. Review status: no assertion criteria provided (0 of 4 stars). 2 submissions from 2 submitters: Pathogenic (2). Last evaluated 2016-11-21.

Conditions:
Amelogenesis imperfecta, hypomaturation type, IIa6. Identifiers: MedGen C4310665, MONDO:0014971, OMIM 617217.
Amelogenesis imperfecta (AI). Also called: Congenital enamel hypoplasia. Identifiers: Orphanet 88661, MedGen C0002452, MONDO:0019507, HP:0000705.

Allele frequency attached by ClinVar (database versions not stated): gnomAD exomes below 0.00001.

Submissions (2):

OMIM
Classification: Pathogenic for AMELOGENESIS IMPERFECTA, HYPOMATURATION TYPE, IIA6. Last evaluated: 2016-11-21. Review status: no assertion criteria provided. Collection method: literature only. Allele origin: germline.

Leeds Amelogenesis Imperfecta Research Group, University of Leeds
Classification: Pathogenic for Amelogenesis imperfecta - hypomineralised. Last evaluated: 2016-08-01. Review status: no assertion criteria provided. Collection method: research. Allele origin: germline. Affected: yes.
Comment: Predicted to remove two of the protein's transmembrane helices and two pH sensing histidine residues.

Literature cited by the submitters: PubMed 27693231 (cited by OMIM and Leeds Amelogenesis Imperfecta Research Group, University of Leeds).